The following is an entry in ClinVar:

NM_005751.5(AKAP9):c.9698G>A (p.Arg3233His)

Gene: AKAP9 (A-kinase anchoring protein 9; plus strand). Cytogenetic location: 7q21.2.
Variant type: single nucleotide variant.
Coding change: c.9698G>A on transcript NM_005751.5 (MANE Select); coding-DNA position 9698, G replaced by A.
Protein change: p.Arg3233His; replaces arginine 3233 with histidine.
Molecular consequence: missense variant.
Genome position (GRCh38, 1-based): chr7:92,095,142, G>A. VCF-style: chr7-92095142-G-A. GRCh37 (hg19) VCF-style: chr7-91724456-G-A.
Other names: c.4343G>A, p.Arg1448His (NM_001379277.1); c.9674G>A, p.Arg3225His (NM_147185.3); short protein forms R3225H, R3233H, R1448H.
Identifiers: ClinVar variation 2471141 (VCV002471141.3), dbSNP rs546024452, ClinGen allele CA4337822.

ClinVar aggregate classification (germline): Conflicting classifications of pathogenicity. Review status: criteria provided, conflicting classifications (1 of 4 stars). 2 submissions from 2 submitters: Uncertain significance (1); Likely benign (1). Last evaluated 2025-07-16.

Conditions:
Cardiovascular phenotype. Identifiers: MedGen CN230736.
Long QT syndrome (LQTS). Identifiers: MedGen C0023976, MeSH D008133, MONDO:0002442. Disease mechanism: loss of function. Inheritance: Various modes of inheritance.

gnomAD v4.1: 24 of 1,614,044 alleles (0.0015%); highest among the groups gnomAD compares: Admixed American, 0.0083%; no homozygotes.

Submissions (2):

Labcorp Genetics (formerly Invitae), Labcorp
Classification: Uncertain significance for Long QT syndrome. Last evaluated: 2025-07-16. Review status: criteria provided, single submitter. Criteria: Invitae Variant Classification Sherloc (09022015). Collection method: clinical testing. Allele origin: germline.
Comment: This sequence change replaces arginine, which is basic and polar, with histidine, which is basic and polar, at codon 3233 of the AKAP9 protein (p.Arg3233His). This variant is present in population databases (rs546024452, gnomAD 0.009%). This variant has not been reported in the literature in individuals affected with AKAP9-related conditions. ClinVar contains an entry for this variant (Variation ID: 2471141). An algorithm developed to predict the effect of missense changes on protein structure and function outputs the following: PolyPhen-2: "Benign". The histidine amino acid residue is found in multiple mammalian species, which suggests that this missense change does not adversely affect protein function. In summary, the available evidence is currently insufficient to determine the role of this variant in disease. Therefore, it has been classified as a Variant of Uncertain Significance.

Ambry Genetics
Classification: Likely benign for Cardiovascular phenotype. Last evaluated: 2023-10-24. Review status: criteria provided, single submitter. Criteria: Ambry Variant Classification Scheme 2023. Collection method: clinical testing. Allele origin: germline.